The following is an entry in ClinVar:

ClinVar aggregate classification (germline): Uncertain significance. Review status: criteria provided, multiple submitters, no conflicts (2 of 4 stars). 2 submissions from 2 submitters: Uncertain significance (2). Last evaluated 2024-03-14.

gnomAD v4.1: 1 of 1,612,996 alleles (0.000062%); highest among the groups gnomAD compares: Non-Finnish European, 0.000085%; no homozygotes.

Submissions (2):

Women's Health and Genetics/Laboratory Corporation of America, LabCorp
Classification: Uncertain significance. Last evaluated: 2024-03-14. Review status: criteria provided, single submitter. Criteria: LabCorp Variant Classification Summary - May 2015. Collection method: clinical testing. Allele origin: germline.
Comment: Variant summary: CFTR c.202A>C (p.Lys68Gln) results in a conservative amino acid change located in the ABC transporter type 1, transmembrane domain (IPR011527) of the encoded protein sequence. Three of four in-silico tools predict a benign effect of the variant on protein function. The variant was absent in 251006 control chromosomes. The available data on variant occurrences in the general population are insufficient to allow any conclusion about variant significance. To our knowledge, no occurrence of c.202A>C in individuals affected with Cystic Fibrosis and no experimental evidence demonstrating its impact on protein function have been reported. No submitters have cited clinical-significance assessments for this variant to ClinVar. Based on the evidence outlined above, the variant was classified as uncertain significance.

Blueprint Genetics
Classification: Uncertain significance. Last evaluated: 2021-06-16. Review status: criteria provided, single submitter. Criteria: ACMG Guidelines, 2015. Collection method: clinical testing. Allele origin: germline.

NM_000492.4(CFTR):c.202A>C (p.Lys68Gln)

Gene: CFTR (CF transmembrane conductance regulator; plus strand). Cytogenetic location: 7q31.2.
Variant type: single nucleotide variant.
Coding change: c.202A>C on transcript NM_000492.4 (MANE Select); coding-DNA position 202, A replaced by C.
Protein change: p.Lys68Gln; replaces lysine 68 with glutamine.
Molecular consequence: missense variant.
Genome position (GRCh38, 1-based): chr7:117,509,071, A>C. VCF-style: chr7-117509071-A-C. GRCh37 (hg19) VCF-style: chr7-117149125-A-C.
Other names: short protein forms K68Q.
Identifiers: ClinVar variation 3233963 (VCV003233963.3), dbSNP rs397508332, ClinGen allele CA368972176.
Genomic context (GRCh38, chr7:117,509,071, plus strand): 5'-TCCCACTTTTTATTCTTTTGCAGAGAATGGGATAGAGAGCTGGCTTCAAAGAAAAATCCT[A>C]AACTCATTAATGCCCTTCGGCGATGTTTTTTCTGGAGATTTATGTTCTATGGAATCTTTT-3'
Protein context (NP_000483.3, residues 58-78): DRELASKKNP[Lys68Gln]LINALRRCFF